The following is an entry in ClinVar:

ClinVar aggregate classification (germline): Uncertain significance (1 of 4 stars; one submission).

Allele frequency attached by ClinVar (database versions not stated): TOPMed below 0.00001.
gnomAD v4.1: 2 of 1,614,058 alleles (0.00012%); highest among the groups gnomAD compares: Admixed American, 0.0017%; no homozygotes.

Submission:

Ambry Genetics
Classification: Uncertain significance. Last evaluated: 2021-06-27. Review status: criteria provided, single submitter. Criteria: Ambry Variant Classification Scheme 2023. Collection method: clinical testing. Allele origin: germline.
Comment: The p.A1051T variant (also known as c.3151G>A), located in coding exon 1 of the MLH3 gene, results from a G to A substitution at nucleotide position 3151. The alanine at codon 1051 is replaced by threonine, an amino acid with similar properties. This amino acid position is conserved. In addition, this alteration is predicted to be tolerated by in silico analysis. Since supporting evidence is limited at this time, the clinical significance of this alteration remains unclear.

NM_001040108.2(MLH3):c.3151G>A (p.Ala1051Thr)

Gene: MLH3 (mutL homolog 3; minus strand). Cytogenetic location: 14q24.3.
Variant type: single nucleotide variant.
Coding change: c.3151G>A on transcript NM_001040108.2 (MANE Select); coding-DNA position 3151, G replaced by A.
Protein change: p.Ala1051Thr; replaces alanine 1051 with threonine.
Molecular consequence: missense variant.
Genome position (GRCh38, 1-based): chr14:75,046,505, C>T on the plus strand (G>A on the coding strand, the complement: MLH3 is on the minus strand). VCF-style: chr14-75046505-C-T. GRCh37 (hg19) VCF-style: chr14-75513208-C-T.
Other names: c.3151G>A, p.Ala1051Thr (NM_014381.3); short protein forms A1051T.
Identifiers: ClinVar variation 1728199 (VCV001728199.2), dbSNP rs1482097875, ClinGen allele CA390435720.